The following is an entry in ClinVar:

ClinVar aggregate classification (germline): Uncertain significance. Review status: criteria provided, multiple submitters, no conflicts (2 of 4 stars). 2 submissions from 2 submitters: Uncertain significance (2). Last evaluated 2026-01-11.

Conditions:
Hereditary cancer-predisposing syndrome. Also called: Neoplastic Syndromes, Hereditary; Tumor predisposition; Hereditary Cancer Syndrome; Hereditary neoplastic syndrome. Identifiers: Orphanet 140162, MedGen C0027672, MeSH D009386, MONDO:0015356.
Familial cancer of breast. Also called: BREAST CANCER, FAMILIAL; hereditary breast carcinoma; Hereditary breast cancer. Identifiers: Orphanet 227535, MedGen C0346153, MONDO:0016419, OMIM 114480. Disease mechanism: loss of function.

Submissions (2):

Labcorp Genetics (formerly Invitae), Labcorp
Classification: Uncertain significance for Familial cancer of breast. Last evaluated: 2026-01-11. Review status: criteria provided, single submitter. Criteria: Invitae Variant Classification Sherloc (09022015). Collection method: clinical testing. Allele origin: germline.
Comment: This sequence change replaces alanine, which is neutral and non-polar, with valine, which is neutral and non-polar, at codon 407 of the CHEK2 protein (p.Ala407Val). This variant is not present in population databases (gnomAD no frequency). This variant has not been reported in the literature in individuals affected with CHEK2-related conditions. ClinVar contains an entry for this variant (Variation ID: 233621). An algorithm developed to predict the effect of missense changes on protein structure and function (PolyPhen-2) suggests that this variant is likely to be disruptive. In summary, the available evidence is currently insufficient to determine the role of this variant in disease. Therefore, it has been classified as a Variant of Uncertain Significance.

Ambry Genetics
Classification: Uncertain significance for Hereditary cancer-predisposing syndrome. Last evaluated: 2022-06-23. Review status: criteria provided, single submitter. Criteria: Ambry Variant Classification Scheme 2023. Collection method: clinical testing. Allele origin: germline.
Comment: The p.A407V variant (also known as c.1220C>T), located in coding exon 10 of the CHEK2 gene, results from a C to T substitution at nucleotide position 1220. The alanine at codon 407 is replaced by valine, an amino acid with similar properties. This amino acid position is highly conserved in available vertebrate species. In addition, the in silico prediction for this alteration is inconclusive. Since supporting evidence is limited at this time, the clinical significance of this alteration remains unclear.

NM_007194.4(CHEK2):c.1220C>T (p.Ala407Val)

Gene: CHEK2 (checkpoint kinase 2; minus strand). Cytogenetic location: 22q12.1.
Variant type: single nucleotide variant.
Coding change: c.1220C>T on transcript NM_007194.4 (MANE Select); coding-DNA position 1220, C replaced by T.
Protein change: p.Ala407Val; replaces alanine 407 with valine.
Molecular consequence: missense variant.
Genome position (GRCh38, 1-based): chr22:28,695,749, G>A on the plus strand (C>T on the coding strand, the complement: CHEK2 is on the minus strand). VCF-style: chr22-28695749-G-A. GRCh37 (hg19) VCF-style: chr22-29091737-G-A.
Other names: c.1349C>T, p.Ala450Val (NM_001005735.3); c.557C>T, p.Ala186Val (NM_001257387.3); c.1019C>T, p.Ala340Val (NM_001349956.3); c.1133C>T, p.Ala378Val (NM_145862.3); short protein forms A407V, A378V, A450V, A186V, A340V.
Identifiers: ClinVar variation 233621 (VCV000233621.12), dbSNP rs876660527, ClinGen allele CA10581045.